The following is an entry in ClinVar:

ClinVar aggregate classification (germline): Pathogenic (1 of 4 stars; one submission).

Conditions:
Neurodegeneration with brain iron accumulation 5 (NBIA5). Also called: STATIC ENCEPHALOPATHY OF CHILDHOOD WITH NEURODEGENERATION IN ADULTHOOD; Beta-propeller protein-associated neurodegeneration. Identifiers: Orphanet 329284, MedGen C3550973, MONDO:0010476, OMIM 300894.

Submission:

Labcorp Genetics (formerly Invitae), Labcorp
Classification: Pathogenic for Neurodegeneration with brain iron accumulation 5. Last evaluated: 2022-06-13. Review status: criteria provided, single submitter. Criteria: Invitae Variant Classification Sherloc (09022015). Collection method: clinical testing. Allele origin: germline.
Comment: For these reasons, this variant has been classified as Pathogenic. Experimental studies have shown that this premature translational stop signal affects WDR45 function (PMID: 31332960). Algorithms developed to predict the effect of variants on protein structure and function are not available or were not evaluated for this variant. This premature translational stop signal has been observed in individual(s) with clinical features of WDR45-related conditions (PMID: 31332960). In at least one individual the variant was observed to be de novo. This variant is not present in population databases (gnomAD no frequency). This sequence change creates a premature translational stop signal (p.Glu347Glyfs*7) in the WDR45 gene. While this is not anticipated to result in nonsense mediated decay, it is expected to disrupt the last 15 amino acid(s) of the WDR45 protein.

Literature cited by the submitters: PubMed 31332960.

NM_001029896.2(WDR45):c.1037_1038del (p.Glu346fs)

Gene: WDR45 (WD repeat domain 45; minus strand). Cytogenetic location: Xp11.23.
Variant type: Microsatellite.
Coding change: c.1037_1038del on transcript NM_001029896.2 (MANE Select); coding-DNA positions 1037 to 1038, 2 bases deleted (AG; older notation c.1037_1038delAG).
Protein change: p.Glu346fs; shifts the reading frame from glutamic acid 346.
Molecular consequence: frameshift variant.
Genome position (GRCh38, 1-based): chrX:49,074,848-49,074,849, CT deleted on the plus strand (AG on the coding strand, the reverse complement: WDR45 is on the minus strand); deleting any 2 consecutive bases within chrX:49,074,848-49,074,853 gives the same sequence; the c. name uses the placement nearest the transcript's 3' end. VCF-style (leftmost placement, unchanged base first): chrX-49074847-CCT-C. GRCh37 (hg19) VCF-style: chrX-48932506-CCT-C.
Other names: c.1040_1041del, p.Glu347fs (NM_007075.4); short protein forms E347fs, E346fs.
Identifiers: ClinVar variation 1386002 (VCV001386002.6), dbSNP rs2147814431, ClinGen allele CA2580617039.
Genomic context (GRCh38, chrX:49,074,847, plus strand): 5'-ACAGCCCCCAGGGTCCTTAAAAGTCATCATCATCACAGATGTCAAGGTACACGTCGAAAG[CCT>C]CTCTGTTGCAGTTTCCATCAGGAGTGAAGACATATTTGTGGAAGGTCCCATCTACGCAGA-3'